The following is an entry in ClinVar:

ClinVar aggregate classification (germline): Uncertain significance. Review status: criteria provided, multiple submitters, no conflicts (2 of 4 stars). 4 submissions from 4 submitters: Uncertain significance (4). Last evaluated 2024-03-05.

Conditions:
Familial thoracic aortic aneurysm and aortic dissection (TAAD). Also called: Thoracic aortic aneurysms and dissections. Identifiers: Orphanet 91387, MedGen C4707243, MONDO:0019625.
Aortic aneurysm, familial thoracic 6 (AAT6). Also called: FAMILIAL THORACIC AORTIC ANEURYSM WITH LIVEDO RETICULARIS AND IRIS FLOCCULI. Identifiers: MedGen C2673186, MONDO:0012730, OMIM 611788.

Allele frequency attached by ClinVar (database versions not stated): gnomAD exomes below 0.00001; TOPMed below 0.00001; gnomAD 0.00001.
gnomAD v4.1: 2 of 1,613,926 alleles (0.00012%); highest among the groups gnomAD compares: African/African-American, 0.0027%; no homozygotes.

Submissions (4):

All of Us Research Program, National Institutes of Health
Classification: Uncertain significance for Familial thoracic aortic aneurysm and aortic dissection. Last evaluated: 2024-03-05. Review status: criteria provided, single submitter. Criteria: ACMG Guidelines, 2015. Collection method: clinical testing. Allele origin: germline. Inheritance: Autosomal dominant inheritance. Observed: 2 variant alleles, 2 heterozygotes.
Comment: This missense variant replaces asparagine with serine at codon 299 of the ACTA2 protein. Computational prediction suggests that this variant may not impact protein structure and function (internally defined REVEL score threshold <= 0.5, PMID: 27666373). To our knowledge, functional studies have not been reported for this variant. This variant has not been reported in individuals affected with cardiovascular disorders in the literature. This variant has not been identified in the general population by the Genome Aggregation Database (gnomAD). The available evidence is insufficient to determine the role of this variant in disease conclusively. Therefore, this variant is classified as a Variant of Uncertain Significance.

This study involves interpretation of variants in research participants for the purpose of population health screening. Participant phenotype was not available at the time of variant classification. Additional details can be found in publication PMID: 35346344, PMCID: PMC8962531

Color Diagnostics, LLC DBA Color Health
Classification: Uncertain significance for Familial thoracic aortic aneurysm and aortic dissection. Last evaluated: 2023-10-12. Review status: criteria provided, single submitter. Criteria: ACMG Guidelines, 2015. Collection method: clinical testing. Allele origin: germline.
Comment: This missense variant replaces asparagine with serine at codon 299 of the ACTA2 protein. Computational prediction suggests that this variant may not impact protein structure and function. To our knowledge, functional studies have not been reported for this variant. This variant has not been reported in individuals affected with ACTA2-related disorders in the literature. This variant has not been identified in the general population by the Genome Aggregation Database (gnomAD). The available evidence is insufficient to determine the role of this variant in disease conclusively. Therefore, this variant is classified as a Variant of Uncertain Significance.

Labcorp Genetics (formerly Invitae), Labcorp
Classification: Uncertain significance for Aortic aneurysm, familial thoracic 6. Last evaluated: 2022-06-04. Review status: criteria provided, single submitter. Criteria: Invitae Variant Classification Sherloc (09022015). Collection method: clinical testing. Allele origin: germline.
Comment: In summary, the available evidence is currently insufficient to determine the role of this variant in disease. Therefore, it has been classified as a Variant of Uncertain Significance. Algorithms developed to predict the effect of sequence changes on RNA splicing suggest that this variant may create or strengthen a splice site. Advanced modeling of protein sequence and biophysical properties (such as structural, functional, and spatial information, amino acid conservation, physicochemical variation, residue mobility, and thermodynamic stability) performed at Invitae indicates that this missense variant is not expected to disrupt ACTA2 protein function. ClinVar contains an entry for this variant (Variation ID: 263843). This variant has not been reported in the literature in individuals affected with ACTA2-related conditions. This variant is not present in population databases (gnomAD no frequency). This sequence change replaces asparagine, which is neutral and polar, with serine, which is neutral and polar, at codon 299 of the ACTA2 protein (p.Asn299Ser).

Ambry Genetics
Classification: Uncertain significance for Familial thoracic aortic aneurysm and aortic dissection. Last evaluated: 2014-07-02. Review status: criteria provided, single submitter. Criteria: Ambry Variant Classification Scheme 2023. Collection method: clinical testing. Allele origin: germline.
Comment: The p.N299S variant (also known as c.896A>G), located in coding exon 7 of the ACTA2 gene, results from an A to G substitution at nucleotide position 896. The asparagine at codon 299 is replaced by serine, an amino acid with highly similar properties. This variant was not reported in population based cohorts in the following databases: Database of Single Nucleotide Polymorphisms (dbSNP), NHLBI Exome Sequencing Project (ESP), and 1000 Genomes Project. In the ESP, this variant was not observed in 6,503 samples (13,006 alleles) with coverage at this position. This amino acid position is highly conserved in available vertebrate species. In addition, this alteration is predicted to be benign by PolyPhen but deleterious by SIFT in silico analyses. Since supporting evidence is limited at this time, the clinical significance of this variant remains unclear.

NM_001613.4(ACTA2):c.896A>G (p.Asn299Ser)

Genes: ACTA2 (actin alpha 2, smooth muscle; minus strand), ACTA2-AS1 (ACTA2 antisense RNA 1; plus strand). Cytogenetic location: 10q23.31.
Variant type: single nucleotide variant.
Coding change: c.896A>G on transcript NM_001613.4 (MANE Select); coding-DNA position 896, A replaced by G.
Protein change: p.Asn299Ser; replaces asparagine 299 with serine.
Molecular consequence: missense variant.
Genome position (GRCh38, 1-based): chr10:88,938,155, T>C on the plus strand (A>G on the coding strand, the complement: ACTA2 is on the minus strand). VCF-style: chr10-88938155-T-C. GRCh37 (hg19) VCF-style: chr10-90697912-T-C.
Other names: c.896A>G, p.Asn299Ser (NM_001141945.3, NM_001320855.2, NM_001406462.1 and 2 more transcripts); c.785A>G, p.Asn262Ser (NM_001406466.1); c.767A>G, p.Asn256Ser (NM_001406467.1, NM_001406468.1, NM_001406469.1); c.704A>G, p.Asn235Ser (NM_001406471.1); short protein forms N299S, N256S, N235S, N262S.
Identifiers: ClinVar variation 263843 (VCV000263843.17), dbSNP rs886038946, ClinGen allele CA10587708.